The following is an entry in ClinVar:

ClinVar aggregate classification (germline): Benign/Likely benign. Review status: criteria provided, multiple submitters, no conflicts (2 of 4 stars). 4 submissions from 4 submitters: Benign (3); Likely benign (1). Last evaluated 2024-11-26.

Conditions:
Platelet-type bleeding disorder 9 (BDPLT9). Also called: GLYCOPROTEIN Ia DEFICIENCY; GP Ia DEFICIENCY; COLLAGEN PLATELET RECEPTOR DEFICIENCY. Identifiers: Orphanet 73271, Orphanet 98886, MedGen C3280114, MONDO:0013622, OMIM 614200.

Allele frequency attached by ClinVar (database versions not stated): gnomAD exomes 0.08565 and 0.08767; ExAC 0.09410; 1000 Genomes Project 0.11122; 1000 Genomes Project 30x 0.11149; gnomAD 0.11767 and 0.12027; TOPMed 0.12342; ESP Exome Variant Server 0.13265.
gnomAD v4.1: 145,996 of 1,608,102 alleles (9.1%); highest among the groups gnomAD compares: African/African-American, 21%; 7,677 homozygotes.

Submissions (4):

Blueprint Genetics
Classification: Likely benign. Last evaluated: 2024-11-26. Review status: criteria provided, single submitter. Criteria: ACMG Guidelines, 2015. Collection method: clinical testing. Allele origin: germline.

GeneDx
Classification: Benign. Last evaluated: 2021-06-10. Review status: criteria provided, single submitter. Criteria: GeneDx Variant Classification Process June 2021. Collection method: clinical testing. Allele origin: germline. Affected: yes.

Illumina Laboratory Services, Illumina
Classification: Benign for Platelet-type bleeding disorder 9. Last evaluated: 2018-01-12. Review status: criteria provided, single submitter. Criteria: ICSL Variant Classification Criteria 13 December 2019. Collection method: clinical testing. Allele origin: germline.
Comment: This variant was observed in the ICSL laboratory as part of a predisposition screen in an ostensibly healthy population. It had not been previously curated by ICSL or reported in the Human Gene Mutation Database (HGMD: prior to June 1st, 2018), and was therefore a candidate for classification through an automated scoring system. Utilizing variant allele frequency, disease prevalence and penetrance estimates, and inheritance mode, an automated score was calculated to assess if this variant is too frequent to cause the disease. Based on the score and internal cut-off values, a variant classified as benign is not then subjected to further curation. The score for this variant resulted in a classification of benign for this disease.

Breakthrough Genomics
Classification: Benign. Review status: criteria provided, single submitter. Criteria: ACMG Guidelines, 2015. Collection method: not provided. Allele origin: germline. Inheritance: Unknown mechanism. Affected: yes.

NM_002203.4(ITGA2):c.2376C>T (p.Asp792=)

Gene: ITGA2 (integrin subunit alpha 2; plus strand). Cytogenetic location: 5q11.2.
Variant type: single nucleotide variant.
Coding change: c.2376C>T on transcript NM_002203.4 (MANE Select); coding-DNA position 2376, C replaced by T.
Protein change: p.Asp792=; no amino-acid change (aspartic acid 792 retained).
Molecular consequence: synonymous variant. On other transcripts: non-coding transcript variant (5).
Genome position (GRCh38, 1-based): chr5:53,072,642, C>T. VCF-style: chr5-53072642-C-T. GRCh37 (hg19) VCF-style: chr5-52368472-C-T.
Identifiers: ClinVar variation 353763 (VCV000353763.8), dbSNP rs3212583, ClinGen allele CA3263163.